The following is an entry in ClinVar:

NM_006087.4(TUBB4A):c.607G>C (p.Asp203His)

Gene: TUBB4A (tubulin beta 4A class IVa; minus strand). Cytogenetic location: 19p13.3.
Variant type: single nucleotide variant.
Coding change: c.607G>C on transcript NM_006087.4 (MANE Select); coding-DNA position 607, G replaced by C.
Protein change: p.Asp203His; replaces aspartic acid 203 with histidine.
Molecular consequence: missense variant.
Genome position (GRCh38, 1-based): chr19:6,495,892, C>G on the plus strand (G>C on the coding strand, the complement: TUBB4A is on the minus strand). VCF-style: chr19-6495892-C-G. GRCh37 (hg19) VCF-style: chr19-6495903-C-G.
Other names: c.760G>C, p.Asp254His (NM_001289123.2); c.742G>C, p.Asp248His (NM_001289127.2); c.607G>C, p.Asp203His (NM_001289129.2); c.391G>C, p.Asp131His (NM_001289130.2, NM_001289131.2); short protein forms D131H, D203H, D248H, D254H.
Identifiers: ClinVar variation 3899480 (VCV003899480.1).
Genomic context (GRCh38, chr19:6,495,892, plus strand): 5'-CGTAGGTGGGGGTGGTCAGCTTGAGGGTGCGGAAACAGATGTCGTAGAGTGCCTCGTTGT[C>G]GATGCAGTAGGTCTCATCCGTATTCTCCACCAGCTGGTGCACAGACAGCGTGGCGTTGTA-3'
Protein context (NP_006078.2, residues 193-213): VENTDETYCI[Asp203His]NEALYDICFR

ClinVar aggregate classification (germline): Uncertain significance (1 of 4 stars; one submission).

Submission:

GeneDx
Classification: Uncertain significance. Last evaluated: 2024-11-14. Review status: criteria provided, single submitter. Criteria: GeneDx Variant Classification Process June 2021. Collection method: clinical testing. Allele origin: germline. Affected: yes.
Comment: Not observed at significant frequency in large population cohorts (gnomAD); In silico analysis supports that this missense variant has a deleterious effect on protein structure/function; Has not been previously published as pathogenic or benign to our knowledge